The following is an entry in ClinVar:

NM_000179.3(MSH6):c.2872C>G (p.Gln958Glu)

Gene: MSH6 (mutS homolog 6; plus strand). Cytogenetic location: 2p16.3.
Variant type: single nucleotide variant.
Coding change: c.2872C>G on transcript NM_000179.3 (MANE Select); coding-DNA position 2872, C replaced by G.
Protein change: p.Gln958Glu; replaces glutamine 958 with glutamic acid.
Molecular consequence: missense variant.
Genome position (GRCh38, 1-based): chr2:47,800,855, C>G. VCF-style: chr2-47800855-C-G. GRCh37 (hg19) VCF-style: chr2-48027994-C-G.
Other names: c.2482C>G, p.Gln828Glu (NM_001281492.2); c.1966C>G, p.Gln656Glu (NM_001281493.2, NM_001281494.2); short protein forms Q958E, Q656E, Q828E.
Identifiers: ClinVar variation 492708 (VCV000492708.12), dbSNP rs1553414236, ClinGen allele CA346755990.
Genomic context (GRCh38, chr2:47,800,855, plus strand): 5'-GACCAAGCTCTTGCTGACATAAGAGAAAATGAACAGAGCCTCCTGGAATACCTAGAGAAA[C>G]AGCGCAACAGAATTGGCTGTAGGACCATAGTCTATTGGGGGATTGGTAGGAACCGTTACC-3'
Protein context (NP_000170.1, residues 948-968): EQSLLEYLEK[Gln958Glu]RNRIGCRTIV

ClinVar aggregate classification (germline): Uncertain significance. Review status: criteria provided, single submitter (1 of 4 stars). 2 submissions from 2 submitters: Uncertain significance (1). 1 of the submissions does not count toward it. Last evaluated 2025-12-10.

Conditions:
Hereditary nonpolyposis colorectal neoplasms. Identifiers: MedGen C0009405, MeSH D003123.

Submissions (2):

Labcorp Genetics (formerly Invitae), Labcorp
Classification: Uncertain significance for Hereditary nonpolyposis colorectal neoplasms. Last evaluated: 2025-12-10. Review status: criteria provided, single submitter. Criteria: Invitae Variant Classification Sherloc (09022015). Collection method: clinical testing. Allele origin: germline.
Comment: This sequence change replaces glutamine, which is neutral and polar, with glutamic acid, which is acidic and polar, at codon 958 of the MSH6 protein (p.Gln958Glu). This variant is not present in population databases (gnomAD no frequency). This variant has not been reported in the literature in individuals affected with MSH6-related conditions. ClinVar contains an entry for this variant (Variation ID: 492708). Invitae Evidence Modeling of protein sequence and biophysical properties (such as structural, functional, and spatial information, amino acid conservation, physicochemical variation, residue mobility, and thermodynamic stability) indicates that this missense variant is not expected to disrupt MSH6 protein function with a negative predictive value of 95%. In summary, the available evidence is currently insufficient to determine the role of this variant in disease. Therefore, it has been classified as a Variant of Uncertain Significance.

Mayo Clinic Laboratories, Mayo Clinic
Classification: Uncertain significance. Review status: no assertion criteria provided. Collection method: clinical testing. Allele origin: unknown. Not counted in ClinVar's aggregate classification.